The following is an entry in ClinVar:

ClinVar aggregate classification (germline): Uncertain significance (1 of 4 stars; one submission).

Allele frequency attached by ClinVar (database versions not stated): gnomAD 0.00001; gnomAD exomes 0.00001; TOPMed 0.00001; ExAC 0.00003.
gnomAD v4.1: 13 of 1,613,990 alleles (0.00081%); highest among the groups gnomAD compares: Admixed American, 0.018%; no homozygotes.

Submission:

Labcorp Genetics (formerly Invitae), Labcorp
Classification: Uncertain significance. Last evaluated: 2022-06-08. Review status: criteria provided, single submitter. Criteria: Invitae Variant Classification Sherloc (09022015). Collection method: clinical testing. Allele origin: germline.
Comment: This sequence change replaces arginine, which is basic and polar, with lysine, which is basic and polar, at codon 375 of the LTBP2 protein (p.Arg375Lys). This variant is present in population databases (rs766615638, gnomAD 0.03%). This variant has not been reported in the literature in individuals affected with LTBP2-related conditions. Algorithms developed to predict the effect of missense changes on protein structure and function output the following: SIFT: "Tolerated"; PolyPhen-2: "Benign"; Align-GVGD: "Class C0". The lysine amino acid residue is found in multiple mammalian species, which suggests that this missense change does not adversely affect protein function. In summary, the available evidence is currently insufficient to determine the role of this variant in disease. Therefore, it has been classified as a Variant of Uncertain Significance.

NM_000428.3(LTBP2):c.1124G>A (p.Arg375Lys)

Gene: LTBP2 (latent transforming growth factor beta binding protein 2; minus strand). Cytogenetic location: 14q24.3.
Variant type: single nucleotide variant.
Coding change: c.1124G>A on transcript NM_000428.3 (MANE Select); coding-DNA position 1124, G replaced by A.
Protein change: p.Arg375Lys; replaces arginine 375 with lysine.
Molecular consequence: missense variant.
Genome position (GRCh38, 1-based): chr14:74,552,960, C>T on the plus strand (G>A on the coding strand, the complement: LTBP2 is on the minus strand). VCF-style: chr14-74552960-C-T. GRCh37 (hg19) VCF-style: chr14-75019663-C-T.
Other names: short protein forms R375K.
Identifiers: ClinVar variation 1990015 (VCV001990015.1), dbSNP rs766615638, ClinGen allele CA7269985.